The following is an entry in ClinVar:

ClinVar aggregate classification (germline): Uncertain significance (0 of 4 stars; one submission).

Conditions:
COL4A2-related disorder. Also called: COL4A2-related disorders; COL4A2-related condition.

Submission:

PreventionGenetics, part of Exact Sciences
Classification: Uncertain significance for COL4A2-related condition. Last evaluated: 2024-08-31. Review status: no assertion criteria provided. Collection method: clinical testing. Allele origin: germline.
Comment: The COL4A2 c.234delA variant is predicted to result in a frameshift and premature protein termination (p.Gly79Aspfs*20). To our knowledge, this variant has not been reported in the literature or in a large population database, indicating this variant is rare. Currently, the clinical significance of loss-of-function variants in COL4A2 are uncertain as nearly all pathogenic variants reported to date are missense variants affecting glycine residues in the triple helical region. Although we suspect that this variant may be pathogenic, at this time, the clinical significance of this variant is uncertain due to the absence of conclusive functional and genetic evidence.

NM_001846.4(COL4A2):c.234del (p.Gly79fs)

Gene: COL4A2 (collagen type IV alpha 2 chain; plus strand). Cytogenetic location: 13q34.
Variant type: Deletion.
Coding change: c.234del on transcript NM_001846.4 (MANE Select); coding-DNA position 234, one base deleted (A; older notation c.234delA).
Protein change: p.Gly79fs; shifts the reading frame from glycine 79.
Molecular consequence: frameshift variant.
Genome position (GRCh38, 1-based): chr13:110,424,787, A deleted; the last of 2 consecutive A bases (chr13:110,424,786-110,424,787); deleting either gives the same sequence. VCF-style (leftmost placement, unchanged base first): chr13-110424785-CA-C. GRCh37 (hg19) VCF-style: chr13-111077132-CA-C.
Other names: short protein forms G79fs.
Identifiers: ClinVar variation 3347212 (VCV003347212.1).